The following is an entry in ClinVar:

NM_002529.4(NTRK1):c.46_70del (p.Ala16fs)

Genes: NTRK1 (neurotrophic receptor tyrosine kinase 1; plus strand), LOC129931648 (ATAC-STARR-seq lymphoblastoid silent region 1440; plus strand). Cytogenetic location: 1q23.1.
Variant type: Deletion.
Coding change: c.46_70del on transcript NM_002529.4 (MANE Select); coding-DNA positions 46 to 70, 25 bases deleted (GCTGCGGGGCCGGGCAGCCTGCTGG).
Protein change: p.Ala16fs; shifts the reading frame from alanine 16.
Molecular consequence: frameshift variant. On other transcripts: intron variant (1).
Genome position (GRCh38, 1-based): chr1:156,860,980-156,861,004, GCTGCGGGGCCGGGCAGCCTGCTGG deleted; deleting any 25 consecutive bases within chr1:156,860,975-156,861,004 gives the same sequence; the c. name uses the placement nearest the transcript's 3' end. VCF-style (leftmost placement, unchanged base first): chr1-156860974-AGCTGGGCTGCGGGGCCGGGCAGCCT-A. GRCh37 (hg19) VCF-style: chr1-156830766-AGCTGGGCTGCGGGGCCGGGCAGCCT-A.
Other names: c.46_70del25, p.Ala16Leufs (NM_001007204.1); c.46_70del, p.Ala16fs (NM_001012331.2); c.123-3374_123-3350del (NM_001007792.1); short protein forms A16fs.
Identifiers: ClinVar variation 2758668 (VCV002758668.3), dbSNP rs2525557872, ClinGen allele CA2697554584.

ClinVar aggregate classification (germline): Pathogenic (1 of 4 stars; one submission).

Conditions:
Hereditary insensitivity to pain with anhidrosis (CIPA). Also called: FAMILIAL DYSAUTONOMIA, TYPE II; NEUROPATHY, CONGENITAL SENSORY, WITH ANHIDROSIS; hereditary sensory and autonomic neuropathy type 4; HSAN Type IV; INSENSITIVITY TO PAIN, CONGENITAL, WITH ANHIDROSIS; NTRK1 Congenital Insensitivity to Pain with Anhidrosis. Identifiers: Orphanet 642, MedGen C0020074, MONDO:0009746, OMIM 256800.

Submission:

Labcorp Genetics (formerly Invitae), Labcorp
Classification: Pathogenic for Hereditary insensitivity to pain with anhidrosis. Last evaluated: 2023-09-06. Review status: criteria provided, single submitter. Criteria: Invitae Variant Classification Sherloc (09022015). Collection method: clinical testing. Allele origin: germline.
Comment: For these reasons, this variant has been classified as Pathogenic. This variant has not been reported in the literature in individuals affected with NTRK1-related conditions. This variant is not present in population databases (gnomAD no frequency). This sequence change creates a premature translational stop signal (p.Ala16Leufs*3) in the NTRK1 gene. It is expected to result in an absent or disrupted protein product. Loss-of-function variants in NTRK1 are known to be pathogenic (PMID: 10982191).

Literature cited by the submitters: PubMed 10982191.